The following is an entry in ClinVar:

NM_033305.3(VPS13A):c.8668-1G>C

Gene: VPS13A (vacuolar protein sorting 13 homolog A; plus strand). Cytogenetic location: 9q21.2.
Variant type: single nucleotide variant.
Coding change: c.8668-1G>C on transcript NM_033305.3 (MANE Select); the canonical splice acceptor site of the intron before coding-DNA position 8668, G replaced by C.
Molecular consequence: splice acceptor variant.
Genome position (GRCh38, 1-based): chr9:77,370,256, G>C. VCF-style: chr9-77370256-G-C. GRCh37 (hg19) VCF-style: chr9-79985172-G-C.
Other names: c.8551-1G>C (NM_001018037.2); c.8668-1G>C (NM_015186.4, NM_001018038.3).
Identifiers: ClinVar variation 2845204 (VCV002845204.3), dbSNP rs2131587158, ClinGen allele CA373866930.

ClinVar aggregate classification (germline): Likely pathogenic (1 of 4 stars; one submission).

Submission:

Labcorp Genetics (formerly Invitae), Labcorp
Classification: Likely pathogenic. Last evaluated: 2023-03-12. Review status: criteria provided, single submitter. Criteria: Invitae Variant Classification Sherloc (09022015). Collection method: clinical testing. Allele origin: germline.
Comment: Algorithms developed to predict the effect of sequence changes on RNA splicing suggest that this variant may disrupt the consensus splice site. This variant has not been reported in the literature in individuals affected with VPS13A-related conditions. This variant is not present in population databases (gnomAD no frequency). This sequence change affects an acceptor splice site in intron 63 of the VPS13A gene. It is expected to disrupt RNA splicing. Variants that disrupt the donor or acceptor splice site typically lead to a loss of protein function (PMID: 16199547), and loss-of-function variants in VPS13A are known to be pathogenic (PMID: 12404112, 21598378). In summary, the currently available evidence indicates that the variant is pathogenic, but additional data are needed to prove that conclusively. Therefore, this variant has been classified as Likely Pathogenic.

Literature cited by the submitters: PubMed 16199547; PubMed 12404112; PubMed 21598378.